The following is an entry in ClinVar:

NM_003628.6(PKP4):c.2790G>T (p.Leu930Phe)

Genes: PKP4 (plakophilin 4; plus strand), PKP4-AS1 (PKP4 antisense RNA 1; minus strand). Cytogenetic location: 2q24.1.
Variant type: single nucleotide variant.
Coding change: c.2790G>T on transcript NM_003628.6 (MANE Select); coding-DNA position 2790, G replaced by T.
Protein change: p.Leu930Phe; replaces leucine 930 with phenylalanine.
Molecular consequence: missense variant.
Genome position (GRCh38, 1-based): chr2:158,669,781, G>T. VCF-style: chr2-158669781-G-T. GRCh37 (hg19) VCF-style: chr2-159526293-G-T.
Other names: c.2790G>T, p.Leu930Phe (NM_001005476.4, NM_001377218.1, NM_001377225.1); c.2787G>T, p.Leu929Phe (NM_001304969.3, NM_001377219.1, NM_001377220.1 and 2 more transcripts); c.1761G>T, p.Leu587Phe (NM_001304970.3); c.2784G>T, p.Leu928Phe (NM_001377222.1, NM_001377223.1); c.2781G>T, p.Leu927Phe (NM_001377224.1); short protein forms L928F, L927F, L587F, L930F, L929F.
Identifiers: ClinVar variation 3933359 (VCV003933359.1).

ClinVar aggregate classification (germline): Uncertain significance (1 of 4 stars; one submission).

gnomAD v4.1: 9 of 1,613,220 alleles (0.00056%); highest among the groups gnomAD compares: Non-Finnish European, 0.00076%; no homozygotes.

Submission:

Ambry Genetics
Classification: Uncertain significance. Last evaluated: 2025-03-23. Review status: criteria provided, single submitter. Criteria: Ambry Variant Classification Scheme 2023. Collection method: clinical testing. Allele origin: germline.
Comment: The p.L930F variant (also known as c.2790G>T), located in coding exon 16 of the PKP4 gene, results from a G to T substitution at nucleotide position 2790. The leucine at codon 930 is replaced by phenylalanine, an amino acid with highly similar properties. This amino acid position is conserved. In addition, this alteration is predicted to be tolerated by in silico analysis. Based on the available evidence, the clinical significance of this variant remains unclear.